The following is an entry in ClinVar:

NM_002734.5(PRKAR1A):c.221G>T (p.Arg74Leu)

Gene: PRKAR1A (protein kinase cAMP-dependent type I regulatory subunit alpha; plus strand). Cytogenetic location: 17q24.2.
Variant type: single nucleotide variant.
Coding change: c.221G>T on transcript NM_002734.5 (MANE Select); coding-DNA position 221, G replaced by T.
Protein change: p.Arg74Leu; replaces arginine 74 with leucine.
Molecular consequence: missense variant.
Genome position (GRCh38, 1-based): chr17:68,522,799, G>T. VCF-style: chr17-68522799-G-T. GRCh37 (hg19) VCF-style: chr17-66518940-G-T.
Other names: c.221G>T, p.Arg74Leu (NM_001276289.2, NM_001276290.1, NM_001278433.2 and 4 more transcripts); short protein forms R74L.
Identifiers: ClinVar variation 5027298 (VCV005027298.1).

ClinVar aggregate classification (germline): Uncertain significance (1 of 4 stars; one submission).

Conditions:
Hereditary cancer-predisposing syndrome. Also called: Neoplastic Syndromes, Hereditary; Tumor predisposition; Hereditary neoplastic syndrome; Hereditary Cancer Syndrome. Identifiers: Orphanet 140162, MedGen C0027672, MeSH D009386, MONDO:0015356.

Submission:

Ambry Genetics
Classification: Uncertain significance for Hereditary cancer-predisposing syndrome. Last evaluated: 2026-06-20. Review status: criteria provided, single submitter. Criteria: Ambry Variant Classification Scheme 2023. Collection method: clinical testing. Allele origin: germline.
Comment: The p.R74L variant (also known as c.221G>T), located in coding exon 2 of the PRKAR1A gene, results from a G to T substitution at nucleotide position 221. The arginine at codon 74 is replaced by leucine, an amino acid with dissimilar properties. This amino acid position is conserved. In addition, the in silico prediction for this alteration is inconclusive. Based on the available evidence, the clinical significance of this variant remains unclear.